The following is an entry in ClinVar:

NM_001243351.2(NUB1):c.240G>A (p.Thr80=)

Gene: NUB1 (negative regulator of ubiquitin like proteins 1; plus strand). Cytogenetic location: 7q36.1.
Variant type: single nucleotide variant.
Coding change: c.240G>A on transcript NM_001243351.2 (MANE Select); coding-DNA position 240, G replaced by A.
Protein change: p.Thr80=; no amino-acid change (threonine 80 retained).
Molecular consequence: synonymous variant.
Genome position (GRCh38, 1-based): chr7:151,349,195, G>A. VCF-style: chr7-151349195-G-A. GRCh37 (hg19) VCF-style: chr7-151046281-G-A.
Other names: c.240G>A, p.Thr80= (NM_001363529.2, NM_001385353.1, NM_001385354.1 and 4 more transcripts).
Identifiers: ClinVar variation 2658190 (VCV002658190.24), dbSNP rs757864153, ClinGen allele CA4575886.

ClinVar aggregate classification (germline): Likely benign (1 of 4 stars; one submission).

Allele frequency attached by ClinVar (database versions not stated): gnomAD 0.00002; TOPMed 0.00005; ExAC 0.00007.
gnomAD v4.1: 59 of 1,612,334 alleles (0.0037%); highest among the groups gnomAD compares: Non-Finnish European, 0.0048%; no homozygotes.

Submission:

CeGaT Center for Human Genetics Tuebingen
Classification: Likely benign. Last evaluated: 2022-11-01. Review status: criteria provided, single submitter. Criteria: CeGaT Center For Human Genetics Tuebingen Variant Classification Criteria Version 2. Collection method: clinical testing. Allele origin: germline. Affected: yes. Observed: 1 variant allele.
Comment: NUB1: BP4, BP7